The following is an entry in ClinVar:

ClinVar aggregate classification (germline): Uncertain significance (1 of 4 stars; one submission).

Conditions:
Episodic ataxia type 1 (EA1). Also called: Episodic ataxia/myokymia syndrome; ATAXIA, EPISODIC, WITH MYOKYMIA; MYOKYMIA WITH PERIODIC ATAXIA; PAROXYSMAL ATAXIA WITH NEUROMYOTONIA, HEREDITARY. Identifiers: Orphanet 37612, Orphanet 972, MedGen C1719788, MONDO:0008047, OMIM 160120.

Allele frequency attached by ClinVar (database versions not stated): gnomAD exomes below 0.00001.
gnomAD v4.1: 7 of 1,613,834 alleles (0.00043%); highest among the groups gnomAD compares: Non-Finnish European, 0.00059%; no homozygotes.

Submission:

Labcorp Genetics (formerly Invitae), Labcorp
Classification: Uncertain significance for Episodic ataxia type 1. Last evaluated: 2022-01-16. Review status: criteria provided, single submitter. Criteria: Invitae Variant Classification Sherloc (09022015). Collection method: clinical testing. Allele origin: germline.
Comment: Algorithms developed to predict the effect of missense changes on protein structure and function (SIFT, PolyPhen-2, Align-GVGD) all suggest that this variant is likely to be tolerated. This sequence change replaces phenylalanine, which is neutral and non-polar, with tyrosine, which is neutral and polar, at codon 256 of the KCNA1 protein (p.Phe256Tyr). This variant is not present in population databases (gnomAD no frequency). This variant has not been reported in the literature in individuals affected with KCNA1-related conditions. In summary, the available evidence is currently insufficient to determine the role of this variant in disease. Therefore, it has been classified as a Variant of Uncertain Significance.

NM_000217.3(KCNA1):c.767T>A (p.Phe256Tyr)

Gene: KCNA1 (potassium voltage-gated channel subfamily A member 1; plus strand). Cytogenetic location: 12p13.32.
Variant type: single nucleotide variant.
Coding change: c.767T>A on transcript NM_000217.3 (MANE Select); coding-DNA position 767, T replaced by A.
Protein change: p.Phe256Tyr; replaces phenylalanine 256 with tyrosine.
Molecular consequence: missense variant.
Genome position (GRCh38, 1-based): chr12:4,912,145, T>A. VCF-style: chr12-4912145-T-A. GRCh37 (hg19) VCF-style: chr12-5021311-T-A.
Other names: short protein forms F256Y.
Identifiers: ClinVar variation 2163970 (VCV002163970.4), dbSNP rs2497353101, ClinGen allele CA383455292.
Genomic context (GRCh38, chr12:4,912,145, plus strand): 5'-TGGTGGTGCGCTTCTTCGCCTGCCCCAGCAAGACGGACTTCTTCAAAAACATCATGAACT[T>A]CATAGACATTGTGGCCATCATTCCTTATTTCATCACGCTGGGCACCGAGATAGCTGAGCA-3'
Protein context (NP_000208.2, residues 246-266): KTDFFKNIMN[Phe256Tyr]IDIVAIIPYF